The following is an entry in ClinVar:

NM_002715.4(PPP2CA):c.305C>T (p.Ala102Val)

Gene: PPP2CA (protein phosphatase 2 catalytic subunit alpha; minus strand). Cytogenetic location: 5q31.1.
Variant type: single nucleotide variant.
Coding change: c.305C>T on transcript NM_002715.4 (MANE Select); coding-DNA position 305, C replaced by T.
Protein change: p.Ala102Val; replaces alanine 102 with valine.
Molecular consequence: missense variant. On other transcripts: non-coding transcript variant (1).
Genome position (GRCh38, 1-based): chr5:134,205,929, G>A on the plus strand (C>T on the coding strand, the complement: PPP2CA is on the minus strand). VCF-style: chr5-134205929-G-A. GRCh37 (hg19) VCF-style: chr5-133541620-G-A.
Other names: c.110C>T, p.Ala37Val (NM_001355019.2); short protein forms A102V, A37V.
Identifiers: ClinVar variation 3055175 (VCV003055175.2), dbSNP rs1333791019, ClinGen allele CA360993872.

ClinVar aggregate classification (germline): Likely benign (0 of 4 stars; one submission).

Conditions:
PPP2CA-related disorder. Also called: PPP2CA-related condition.

Allele frequency attached by ClinVar (database versions not stated): gnomAD 0.00001; gnomAD exomes 0.00001.
gnomAD v4.1: 8 of 1,612,552 alleles (0.0005%); highest among the groups gnomAD compares: Non-Finnish European, 0.00068%; no homozygotes.

Submission:

PreventionGenetics, part of Exact Sciences
Classification: Likely benign for PPP2CA-related condition. Last evaluated: 2023-12-18. Review status: no assertion criteria provided. Collection method: clinical testing. Allele origin: germline.
Comment: This variant is classified as likely benign based on ACMG/AMP sequence variant interpretation guidelines (Richards et al. 2015 PMID: 25741868, with internal and published modifications).